The following is an entry in ClinVar:

NM_004972.4(JAK2):c.2276C>A (p.Ser759Tyr)

Genes: INSL6 (insulin like 6; minus strand), JAK2 (Janus kinase 2; plus strand). Cytogenetic location: 9p24.1.
Variant type: single nucleotide variant.
Coding change: c.2276C>A on transcript NM_004972.4 (MANE Select); coding-DNA position 2276, C replaced by A.
Protein change: p.Ser759Tyr; replaces serine 759 with tyrosine.
Molecular consequence: missense variant. On other transcripts: non-coding transcript variant (2).
Genome position (GRCh38, 1-based): chr9:5,080,373, C>A. VCF-style: chr9-5080373-C-A. GRCh37 (hg19) VCF-style: chr9-5080373-C-A.
Other names: c.2276C>A, p.Ser759Tyr (NM_001322194.2, NM_001322195.2, NM_001322196.2); c.1061C>A, p.Ser354Tyr (NM_001322198.2, NM_001322199.2); c.1829C>A, p.Ser610Tyr (NM_001322204.2); short protein forms S354Y, S610Y, S759Y.
Identifiers: ClinVar variation 3608541 (VCV003608541.3).
Genomic context (GRCh38, chr9:5,080,373, plus strand): 5'-TTGGTACCACTTTGTGGGAAATCTGCAGTGGAGGAGATAAACCTCTAAGTGCTCTGGATT[C>A]TCAAAGAGTAAGTTTATATAGACTAAGTTAGAATTACTCTATCTCTGAACTTTCATATTT-3'
Protein context (NP_004963.1, residues 749-769): GGDKPLSALD[Ser759Tyr]QRKLQFYEDR

ClinVar aggregate classification (germline): Uncertain significance. Review status: criteria provided, multiple submitters, no conflicts (2 of 4 stars). 2 submissions from 2 submitters: Uncertain significance (2). Last evaluated 2024-11-19.

gnomAD v4.1: 26 of 1,611,450 alleles (0.0016%); highest among the groups gnomAD compares: African/African-American, 0.019%; no homozygotes.

Submissions (2):

Labcorp Genetics (formerly Invitae), Labcorp
Classification: Uncertain significance. Last evaluated: 2024-11-19. Review status: criteria provided, single submitter. Criteria: Invitae Variant Classification Sherloc (09022015). Collection method: clinical testing. Allele origin: germline.
Comment: This sequence change replaces serine, which is neutral and polar, with tyrosine, which is neutral and polar, at codon 759 of the JAK2 protein (p.Ser759Tyr). This variant is present in population databases (rs766524586, gnomAD 0.01%). This variant has not been reported in the literature in individuals affected with JAK2-related conditions. Invitae Evidence Modeling of protein sequence and biophysical properties (such as structural, functional, and spatial information, amino acid conservation, physicochemical variation, residue mobility, and thermodynamic stability) has been performed for this missense variant. However, the output from this modeling did not meet the statistical confidence thresholds required to predict the impact of this variant on JAK2 protein function. In summary, the available evidence is currently insufficient to determine the role of this variant in disease. Therefore, it has been classified as a Variant of Uncertain Significance.

Blueprint Genetics
Classification: Uncertain significance. Last evaluated: 2020-06-25. Review status: criteria provided, single submitter. Criteria: ACMG Guidelines, 2015. Collection method: clinical testing. Allele origin: germline.